The following is an entry in ClinVar:

ClinVar aggregate classification (germline): Benign. Review status: reviewed by expert panel (3 of 4 stars). 26 submissions from 22 submitters: Benign (1). 25 of the submissions do not count toward it. Last evaluated 2023-08-08.

Conditions:
CDH1-related diffuse gastric and lobular breast cancer syndrome. Also called: CDH1-related diffuse gastric and lobular breast cancer. Identifiers: MedGen CN311521, MONDO:0100488.
Blepharocheilodontic syndrome 1 (BCDS1). Identifiers: Orphanet 1997, MedGen C4551988, MONDO:0054740, OMIM 119580.
Hereditary cancer-predisposing syndrome. Also called: Hereditary Cancer Syndrome; Tumor predisposition; Hereditary neoplastic syndrome; Neoplastic Syndromes, Hereditary. Identifiers: Orphanet 140162, MedGen C0027672, MeSH D009386, MONDO:0015356.
Hereditary diffuse gastric adenocarcinoma (HDGC). Also called: DIFFUSE GASTRIC AND LOBULAR BREAST CANCER SYNDROME. Identifiers: Orphanet 26106, MedGen C1708349, MONDO:0007648, OMIM 137215.
Prostate cancer. Also called: Malignant tumor of prostate. Identifiers: Orphanet 1331, MedGen C0376358, MONDO:0008315, HP:0012125.
Familial cancer of breast. Also called: BREAST CANCER, FAMILIAL; Hereditary breast cancer; hereditary breast carcinoma. Identifiers: Orphanet 227535, MedGen C0346153, MONDO:0016419, OMIM 114480. Disease mechanism: loss of function.

Allele frequency attached by ClinVar (database versions not stated): 1000 Genomes Project 30x 0.75921; gnomAD exomes 0.81610 and 0.86692; ESP Exome Variant Server 0.86033; 1000 Genomes Project 0.76338; gnomAD 0.80384 and 0.80359; ExAC 0.81114; TOPMed 0.79625.
gnomAD v4.1: 1,322,470 of 1,537,000 alleles (86%); highest among the groups gnomAD compares: Non-Finnish European, 89%; 572,289 homozygotes.

Submissions (26):

Clingen Gastric Cancer Variant Curation Expert Panel
Classification: Benign for CDH1-related diffuse gastric and lobular breast cancer syndrome. Last evaluated: 2023-08-08. Review status: reviewed by expert panel. Criteria: ClinGen CDH1 ACMG Specifications V3.1. Collection method: curation. Allele origin: germline. Inheritance: Autosomal dominant inheritance.
Comment: The c.48+6C>T variant has an allele frequency of 0.81161 (81%, 129,383/159,416 alleles) in the gnomAD cohort (BA1). Therefore, this variant meets criteria to be classified as benign. ACMG/AMP criteria applied, as specified by the CDH1 Variant Curation Expert Panel (Variant Interpretation Guidelines Version 3.1): BA1.

Labcorp Genetics (formerly Invitae), Labcorp
Classification: Benign for Hereditary diffuse gastric adenocarcinoma. Last evaluated: 2026-02-04. Review status: criteria provided, single submitter. Criteria: Invitae Variant Classification Sherloc (09022015). Collection method: clinical testing. Allele origin: germline. Not counted in ClinVar's aggregate classification.

ARUP Laboratories, Molecular Genetics and Genomics, ARUP Laboratories
Classification: Benign. Last evaluated: 2025-07-30. Review status: criteria provided, single submitter. Criteria: ARUP Molecular Germline Variant Investigation Process 2024. Collection method: clinical testing. Allele origin: germline. Not counted in ClinVar's aggregate classification.

GeneKor MSA
Classification: Benign for Hereditary cancer-predisposing syndrome. Last evaluated: 2025-07-10. Review status: criteria provided, single submitter. Criteria: ACMG Guidelines, 2015. Collection method: clinical testing. Allele origin: germline. Not counted in ClinVar's aggregate classification.

KCCC/NGS Laboratory, Kuwait Cancer Control Center
Classification: Benign for Hereditary diffuse gastric adenocarcinoma. Last evaluated: 2025-02-01. Review status: criteria provided, single submitter. Criteria: ACMG Guidelines, 2015. Collection method: clinical testing. Allele origin: germline. Affected: no. Not counted in ClinVar's aggregate classification.

Blueprint Genetics
Classification: Benign. Last evaluated: 2024-11-27. Review status: criteria provided, single submitter. Criteria: ACMG Guidelines, 2015. Collection method: clinical testing. Allele origin: germline. Not counted in ClinVar's aggregate classification.

Myriad Genetics, Inc.
Classification: Benign for Hereditary diffuse gastric adenocarcinoma. Last evaluated: 2024-09-10. Review status: criteria provided, single submitter. Criteria: Myriad Autosomal Dominant, Autosomal Recessive and X-Linked Classification Criteria (2023). Collection method: clinical testing. Allele origin: unknown. Not counted in ClinVar's aggregate classification.
Comment: This variant is considered benign. This variant is intronic and is not expected to impact mRNA splicing. This variant has been observed at a population frequency that is significantly greater than expected given the associated disease prevalence and penetrance.

KCCC/NGS Laboratory, Kuwait Cancer Control Center
Classification: Benign for Familial prostate cancer. Last evaluated: 2023-07-07. Review status: criteria provided, single submitter. Criteria: ACMG Guidelines, 2015. Collection method: clinical testing. Allele origin: germline. Affected: yes. Not counted in ClinVar's aggregate classification.

Genome-Nilou Lab
Classification: Benign for Blepharocheilodontic syndrome 1. Last evaluated: 2021-07-14. Review status: criteria provided, single submitter. Criteria: ACMG Guidelines, 2015. Collection method: clinical testing. Allele origin: germline. Affected: no. Not counted in ClinVar's aggregate classification.

Genome-Nilou Lab
Classification: Benign for Hereditary diffuse gastric adenocarcinoma. Last evaluated: 2021-07-14. Review status: criteria provided, single submitter. Criteria: ACMG Guidelines, 2015. Collection method: clinical testing. Allele origin: germline. Affected: no. Not counted in ClinVar's aggregate classification.

Genome-Nilou Lab
Classification: Benign for Familial cancer of breast. Last evaluated: 2021-07-14. Review status: criteria provided, single submitter. Criteria: ACMG Guidelines, 2015. Collection method: clinical testing. Allele origin: germline. Affected: no. Not counted in ClinVar's aggregate classification.

Genome-Nilou Lab
Classification: Benign for Familial prostate cancer. Last evaluated: 2021-07-14. Review status: criteria provided, single submitter. Criteria: ACMG Guidelines, 2015. Collection method: clinical testing. Allele origin: germline. Affected: no. Not counted in ClinVar's aggregate classification.

Illumina Laboratory Services, Illumina
Classification: Benign for Hereditary diffuse gastric adenocarcinoma. Last evaluated: 2018-01-12. Review status: criteria provided, single submitter. Criteria: ICSL Variant Classification Criteria 13 December 2019. Collection method: clinical testing. Allele origin: germline. Not counted in ClinVar's aggregate classification.
Comment: This variant was observed in the ICSL laboratory as part of a predisposition screen in an ostensibly healthy population. It had not been previously curated by ICSL or reported in the Human Gene Mutation Database (HGMD: prior to June 1st, 2018), and was therefore a candidate for classification through an automated scoring system. Utilizing variant allele frequency, disease prevalence and penetrance estimates, and inheritance mode, an automated score was calculated to assess if this variant is too frequent to cause the disease. Based on the score and internal cut-off values, a variant classified as benign is not then subjected to further curation. The score for this variant resulted in a classification of benign for this disease.

Laboratory for Molecular Medicine, Mass General Brigham Personalized Medicine
Classification: Benign. Last evaluated: 2016-03-29. Review status: criteria provided, single submitter. Criteria: LMM Criteria. Collection method: clinical testing. Allele origin: germline. Not counted in ClinVar's aggregate classification.
Comment: Variant identified in a genome or exome case(s) and assessed due to predicted null impact of the variant or pathogenic assertions in the literature or databases. Disclaimer: This variant has not undergone full assessment. The following are preliminary notes: Frequency

Color Diagnostics, LLC DBA Color Health
Classification: Benign for Hereditary cancer-predisposing syndrome. Last evaluated: 2015-03-31. Review status: criteria provided, single submitter. Criteria: ACMG Guidelines, 2015. Collection method: clinical testing. Allele origin: germline. Not counted in ClinVar's aggregate classification.

Eurofins Ntd Llc (ga)
Classification: Benign. Last evaluated: 2014-12-11. Review status: criteria provided, single submitter. Criteria: EGL Classification Definitions 2015. Collection method: clinical testing. Allele origin: germline. Observed: 7 variant alleles, 2 heterozygotes, 5 homozygotes. Not counted in ClinVar's aggregate classification.

Ambry Genetics
Classification: Benign for Hereditary cancer-predisposing syndrome. Last evaluated: 2014-11-18. Review status: criteria provided, single submitter. Criteria: Ambry Variant Classification Scheme 2023. Collection method: clinical testing. Allele origin: germline. Not counted in ClinVar's aggregate classification.

GeneDx
Classification: Benign. Last evaluated: 2013-09-27. Review status: criteria provided, single submitter. Criteria: GeneDx Variant Classification (06012015). Collection method: clinical testing. Allele origin: germline. Affected: yes. Not counted in ClinVar's aggregate classification.
Comment: This variant is considered likely benign or benign based on one or more of the following criteria: it is a conservative change, it occurs at a poorly conserved position in the protein, it is predicted to be benign by multiple in silico algorithms, and/or has population frequency not consistent with disease.

Breakthrough Genomics
Classification: Benign. Review status: criteria provided, single submitter. Criteria: ACMG Guidelines, 2015. Collection method: not provided. Allele origin: germline. Inheritance: Autosomal dominant inheritance. Affected: yes. Not counted in ClinVar's aggregate classification.

PreventionGenetics, part of Exact Sciences
Classification: Benign. Review status: criteria provided, single submitter. Criteria: ACMG Guidelines, 2015. Collection method: clinical testing. Allele origin: germline. Not counted in ClinVar's aggregate classification.

Clinical Genetics Laboratory, Department of Pathology, Netherlands Cancer Institute
Classification: Benign. Review status: no assertion criteria provided. Collection method: clinical testing. Allele origin: germline. Affected: yes. Study: VKGL Data-share Consensus. Not counted in ClinVar's aggregate classification.

Clinical Genetics, Academic Medical Center
Classification: Benign. Review status: no assertion criteria provided. Collection method: clinical testing. Allele origin: germline. Affected: yes. Study: VKGL Data-share Consensus. Not counted in ClinVar's aggregate classification.

Department of Pathology and Laboratory Medicine, Sinai Health System
Classification: Uncertain significance. Review status: no assertion criteria provided. Collection method: clinical testing. Allele origin: unknown. Affected: yes. Study: The Canadian Open Genetics Repository (COGR). Not counted in ClinVar's aggregate classification.

Diagnostic Laboratory, Department of Genetics, University Medical Center Groningen
Classification: Benign. Review status: no assertion criteria provided. Collection method: clinical testing. Allele origin: germline. Affected: yes. Study: VKGL Data-share Consensus. Not counted in ClinVar's aggregate classification.

Joint Genome Diagnostic Labs from Nijmegen and Maastricht, Radboudumc and MUMC+
Classification: Benign. Review status: no assertion criteria provided. Collection method: clinical testing. Allele origin: germline. Affected: yes. Study: VKGL Data-share Consensus. Not counted in ClinVar's aggregate classification.

Mayo Clinic Laboratories, Mayo Clinic
Classification: Benign. Review status: no assertion criteria provided. Collection method: clinical testing. Allele origin: unknown. Not counted in ClinVar's aggregate classification.

NM_004360.5(CDH1):c.48+6C>T

Gene: CDH1 (cadherin 1; plus strand). Cytogenetic location: 16q22.1.
Variant type: single nucleotide variant.
Coding change: c.48+6C>T on transcript NM_004360.5 (MANE Select); 6 bases into the intron after coding-DNA position 48, C replaced by T.
Molecular consequence: intron variant.
Genome position (GRCh38, 1-based): chr16:68,737,469, C>T. VCF-style: chr16-68737469-C-T. GRCh37 (hg19) VCF-style: chr16-68771372-C-T.
Other names: c.-1568+6C>T (NM_001317185.2); c.-1772+6C>T (NM_001317186.2); c.48+6C>T (NM_001317184.2).
Identifiers: ClinVar variation 136692 (VCV000136692.57), dbSNP rs3743674, ClinGen allele CA200462.
Genomic context (GRCh38, chr16:68,737,469, plus strand): 5'-GCCAGCCATGGGCCCTTGGAGCCGCAGCCTCTCGGCGCTGCTGCTGCTGCTGCAGGTACC[C>T]CGGATCCCCTGACTTGCGAGGGACGCATTCGGGCCGCAAGCTCCGCGCCCCAGCCCTGCG-3'